The following is an entry in ClinVar:

NM_031475.3(ESPN):c.390C>A (p.Asp130Glu)

Gene: ESPN (espin; plus strand). Cytogenetic location: 1p36.31.
Variant type: single nucleotide variant.
Coding change: c.390C>A on transcript NM_031475.3 (MANE Select); coding-DNA position 390, C replaced by A.
Protein change: p.Asp130Glu; replaces aspartic acid 130 with glutamic acid.
Molecular consequence: missense variant.
Genome position (GRCh38, 1-based): chr1:6,428,321, C>A. VCF-style: chr1-6428321-C-A. GRCh37 (hg19) VCF-style: chr1-6488381-C-A.
Other names: c.390C>A, p.Asp130Glu (NM_001367473.1, NM_001367474.1); short protein forms D130E.
Identifiers: ClinVar variation 1707269 (VCV001707269.3), dbSNP rs112712922, ClinGen allele CA338086214.

ClinVar aggregate classification (germline): Uncertain significance. Review status: criteria provided, multiple submitters, no conflicts (2 of 4 stars). 2 submissions from 2 submitters: Uncertain significance (2). Last evaluated 2025-08-14.

Conditions:
Inborn genetic diseases. Identifiers: MedGen C0950123, MeSH D030342.

Submissions (2):

Ambry Genetics
Classification: Uncertain significance for Inborn genetic diseases. Last evaluated: 2025-08-14. Review status: criteria provided, single submitter. Criteria: Ambry Variant Classification Scheme 2023. Collection method: clinical testing. Allele origin: germline.

GeneDx
Classification: Uncertain significance. Last evaluated: 2022-03-25. Review status: criteria provided, single submitter. Criteria: GeneDx Variant Classification Process June 2021. Collection method: clinical testing. Allele origin: germline. Affected: yes.
Comment: Not observed at significant frequency in large population cohorts (gnomAD); In silico analysis supports that this missense variant does not alter protein structure/function; Has not been previously published as pathogenic or benign to our knowledge